The following is an entry in ClinVar:

NM_001079866.2(BCS1L):c.245C>T (p.Ser82Leu)

Gene: BCS1L (BCS1 homolog, ubiquinol-cytochrome c reductase complex chaperone; plus strand). Cytogenetic location: 2q35.
Variant type: single nucleotide variant.
Coding change: c.245C>T on transcript NM_001079866.2 (MANE Select); coding-DNA position 245, C replaced by T.
Protein change: p.Ser82Leu; replaces serine 82 with leucine.
Molecular consequence: missense variant. On other transcripts: 5 prime UTR variant (5), non-coding transcript variant (1), intron variant (3).
Genome position (GRCh38, 1-based): chr2:218,661,232, C>T. VCF-style: chr2-218661232-C-T. GRCh37 (hg19) VCF-style: chr2-219525955-C-T.
Other names: c.245C>T, p.Ser82Leu (NM_001257342.2, NM_001257343.2, NM_001257344.2 and 10 more transcripts); c.-232C>T (NM_001371453.1, NM_001371454.1, NM_001371455.1 and 2 more transcripts); c.-40-174C>T (NM_001371451.1, NM_001318836.2); c.-41-527C>T (NM_001371452.1); short protein forms S82L.
Identifiers: ClinVar variation 3617371 (VCV003617371.1).
Genomic context (GRCh38, chr2:218,661,232, plus strand): 5'-GGTTGCTTAGCTGGCTCACCCGCCACAGTACCCGTACTCAGCACCTCAGTGTCGAGACTT[C>T]GTACCTTCAGCATGAGAGTGGCCGCATTTCCACTAAGTTTGAATTTGTCCCCAGCCCTGG-3'
Protein context (NP_001073335.1, residues 72-92): TRTQHLSVET[Ser82Leu]YLQHESGRIS

ClinVar aggregate classification (germline): Uncertain significance (1 of 4 stars; one submission).

Submission:

Labcorp Genetics (formerly Invitae), Labcorp
Classification: Uncertain significance. Last evaluated: 2024-02-14. Review status: criteria provided, single submitter. Criteria: Invitae Variant Classification Sherloc (09022015). Collection method: clinical testing. Allele origin: germline.
Comment: This sequence change replaces serine, which is neutral and polar, with leucine, which is neutral and non-polar, at codon 82 of the BCS1L protein (p.Ser82Leu). This variant is present in population databases (rs749196764, gnomAD 0.008%). This variant has not been reported in the literature in individuals affected with BCS1L-related conditions. Advanced modeling of protein sequence and biophysical properties (such as structural, functional, and spatial information, amino acid conservation, physicochemical variation, residue mobility, and thermodynamic stability) has been performed at Invitae for this missense variant, however the output from this modeling did not meet the statistical confidence thresholds required to predict the impact of this variant on BCS1L protein function. In summary, the available evidence is currently insufficient to determine the role of this variant in disease. Therefore, it has been classified as a Variant of Uncertain Significance.